The following is an entry in ClinVar:

ClinVar aggregate classification (germline): Uncertain significance (0 of 4 stars; one submission).

Conditions:
NOTCH2-related disorder. Also called: NOTCH2-related condition.

Submission:

PreventionGenetics, part of Exact Sciences
Classification: Uncertain significance for NOTCH2-related condition. Last evaluated: 2024-09-13. Review status: no assertion criteria provided. Collection method: clinical testing. Allele origin: germline.
Comment: The NOTCH2 c.851G>A variant is predicted to result in the amino acid substitution p.Cys284Tyr. To our knowledge, this variant has not been reported in the literature or in a large population database, indicating this variant is rare. At this time, the clinical significance of this variant is uncertain due to the absence of conclusive functional and genetic evidence.

NM_024408.4(NOTCH2):c.851G>A (p.Cys284Tyr)

Gene: NOTCH2 (notch receptor 2; minus strand). Cytogenetic location: 1p12.
Variant type: single nucleotide variant.
Coding change: c.851G>A on transcript NM_024408.4 (MANE Select); coding-DNA position 851, G replaced by A.
Protein change: p.Cys284Tyr; replaces cysteine 284 with tyrosine.
Molecular consequence: missense variant.
Genome position (GRCh38, 1-based): chr1:119,986,983, C>T on the plus strand (G>A on the coding strand, the complement: NOTCH2 is on the minus strand). VCF-style: chr1-119986983-C-T. GRCh37 (hg19) VCF-style: chr1-120529606-C-T.
Other names: c.851G>A, p.Cys284Tyr (NM_001200001.2); short protein forms C284Y.
Identifiers: ClinVar variation 3346930 (VCV003346930.1).